The following is an entry in ClinVar:

NM_001690.4(ATP6V1A):c.640G>A (p.Val214Ile)

Gene: ATP6V1A (ATPase H+ transporting V1 subunit A; plus strand). Cytogenetic location: 3q13.31.
Variant type: single nucleotide variant.
Coding change: c.640G>A on transcript NM_001690.4 (MANE Select); coding-DNA position 640, G replaced by A.
Protein change: p.Val214Ile; replaces valine 214 with isoleucine.
Molecular consequence: missense variant.
Genome position (GRCh38, 1-based): chr3:113,786,307, G>A. VCF-style: chr3-113786307-G-A. GRCh37 (hg19) VCF-style: chr3-113505154-G-A.
Other names: short protein forms V214I.
Identifiers: ClinVar variation 4807193 (VCV004807193.1).

ClinVar aggregate classification (germline): Uncertain significance (1 of 4 stars; one submission).

gnomAD v4.1: 2 of 1,613,472 alleles (0.00012%); highest among the groups gnomAD compares: Non-Finnish European, 0.00017%; no homozygotes.

Submission:

Labcorp Genetics (formerly Invitae), Labcorp
Classification: Uncertain significance. Last evaluated: 2025-05-13. Review status: criteria provided, single submitter. Criteria: Invitae Variant Classification Sherloc (09022015). Collection method: clinical testing. Allele origin: germline.
Comment: This sequence change replaces valine, which is neutral and non-polar, with isoleucine, which is neutral and non-polar, at codon 214 of the ATP6V1A protein (p.Val214Ile). This variant is not present in population databases (gnomAD no frequency). This variant has not been reported in the literature in individuals affected with ATP6V1A-related conditions. Invitae Evidence Modeling of protein sequence and biophysical properties (such as structural, functional, and spatial information, amino acid conservation, physicochemical variation, residue mobility, and thermodynamic stability) indicates that this missense variant is not expected to disrupt ATP6V1A protein function with a negative predictive value of 80%. In summary, the available evidence is currently insufficient to determine the role of this variant in disease. Therefore, it has been classified as a Variant of Uncertain Significance.